The following is an entry in ClinVar:

ClinVar aggregate classification (germline): Uncertain significance (1 of 4 stars; one submission).

gnomAD v4.1: 2 of 1,144,036 alleles (0.00017%); highest among the groups gnomAD compares: Non-Finnish European, 0.00023%; no homozygotes.

Submission:

Women's Health and Genetics/Laboratory Corporation of America, LabCorp
Classification: Uncertain significance. Last evaluated: 2024-09-27. Review status: criteria provided, single submitter. Criteria: LabCorp Variant Classification Summary - May 2015. Collection method: clinical testing. Allele origin: germline.
Comment: Variant summary: KDM5C c.*149T>C is located in the untranslated mRNA region downstream of the termination codon. Two of two in-silico tools predict a benign effect of the variant on protein function. The variant was absent in 109494 control chromosomes. The available data on variant occurrences in the general population are insufficient to allow any conclusion about variant significance. To our knowledge, no occurrence of c.*149T>C in individuals affected with Mental Retardation, Syndromic, Claes-Jensen Type, X-Linked and no experimental evidence demonstrating its impact on protein function have been reported. No submitters have cited clinical-significance assessments for this variant to ClinVar. Based on the evidence outlined above, the variant was classified as uncertain significance.

NM_004187.5(KDM5C):c.*149T>C

Gene: KDM5C (lysine demethylase 5C; minus strand). Cytogenetic location: Xp11.22.
Variant type: single nucleotide variant.
Coding change: c.*149T>C on transcript NM_004187.5 (MANE Select); 149 bases downstream of the stop codon, T replaced by C.
Molecular consequence: 3 prime UTR variant. On other transcripts: missense variant (1), intron variant (4).
Genome position (GRCh38, 1-based): chrX:53,192,818, A>G on the plus strand (T>C on the coding strand, the complement: KDM5C is on the minus strand). VCF-style: chrX-53192818-A-G. GRCh37 (hg19) VCF-style: chrX-53222000-A-G.
Other names: c.4066T>C, p.Cys1356Arg (NM_001146702.2); c.*149T>C (NM_001282622.3, NM_001353978.3); c.4305+619T>C (NM_001353982.2); c.4314+619T>C (NM_001353979.2); c.4308+619T>C (NM_001353981.2, NM_001353984.2); short protein forms C1356R.
Identifiers: ClinVar variation 3375164 (VCV003375164.1).